The following is an entry in ClinVar:

NM_000455.5(STK11):c.160C>T (p.Leu54=)

Gene: STK11 (serine/threonine kinase 11; plus strand). Cytogenetic location: 19p13.3.
Variant type: single nucleotide variant.
Coding change: c.160C>T on transcript NM_000455.5 (MANE Select); coding-DNA position 160, C replaced by T.
Protein change: p.Leu54=; no amino-acid change (leucine 54 retained).
Molecular consequence: synonymous variant.
Genome position (GRCh38, 1-based): chr19:1,207,073, C>T. VCF-style: chr19-1207073-C-T. GRCh37 (hg19) VCF-style: chr19-1207072-C-T.
Identifiers: ClinVar variation 485000 (VCV000485000.20), dbSNP rs755390787, ClinGen allele CA046394.
Genomic context (GRCh38, chr19:1,207,073, plus strand): 5'-GTCATCTACCAGCCGCGCCGCAAGCGGGCCAAGCTCATCGGCAAGTACCTGATGGGGGAC[C>T]TGCTGGGGGAAGGCTCTTACGGCAAGGTGAAGGAGGTGCTGGACTCGGAGACGCTGTGCA-3'
Protein context (NP_000446.1, residues 44-64): KLIGKYLMGD[Leu54=]LGEGSYGKVK

ClinVar aggregate classification (germline): Benign/Likely benign. Review status: criteria provided, multiple submitters, no conflicts (2 of 4 stars). 5 submissions from 5 submitters: Benign (1); Likely benign (4). Last evaluated 2025-05-16.

Conditions:
Hereditary cancer-predisposing syndrome. Also called: Hereditary neoplastic syndrome; Neoplastic Syndromes, Hereditary; Tumor predisposition; Hereditary Cancer Syndrome. Identifiers: Orphanet 140162, MedGen C0027672, MeSH D009386, MONDO:0015356.
Peutz-Jeghers syndrome (PJS). Also called: POLYPOSIS, HAMARTOMATOUS INTESTINAL; POLYPS-AND-SPOTS SYNDROME; Peutz-Jeghers polyposis; Periorificial lentiginosis syndrome. Identifiers: Orphanet 2869, MedGen C0031269, MeSH D010580, MONDO:0008280, OMIM 175200.

Allele frequency attached by ClinVar (database versions not stated): gnomAD exomes 0.00001; ExAC 0.00002.
gnomAD v4.1: 7 of 1,613,928 alleles (0.00043%); highest among the groups gnomAD compares: African/African-American, 0.0027%; no homozygotes.

Submissions (5):

Labcorp Genetics (formerly Invitae), Labcorp
Classification: Likely benign for Peutz-Jeghers syndrome. Last evaluated: 2025-05-16. Review status: criteria provided, single submitter. Criteria: Invitae Variant Classification Sherloc (09022015). Collection method: clinical testing. Allele origin: germline.

Myriad Genetics, Inc.
Classification: Benign for Peutz-Jeghers syndrome. Last evaluated: 2025-03-25. Review status: criteria provided, single submitter. Criteria: Myriad Autosomal Dominant, Autosomal Recessive and X-Linked Classification Criteria (2023). Collection method: clinical testing. Allele origin: unknown.
Comment: This variant is considered benign. This variant is a silent/synonymous amino acid change and it is not expected to impact splicing.

All of Us Research Program, National Institutes of Health
Classification: Likely benign for Peutz-Jeghers syndrome. Last evaluated: 2024-02-22. Review status: criteria provided, single submitter. Criteria: ACMG Guidelines, 2015. Collection method: clinical testing. Allele origin: germline. Inheritance: Autosomal dominant inheritance. Observed: 1 variant allele, 1 heterozygote.
Comment: This study involves interpretation of variants in research participants for the purpose of population health screening. Participant phenotype was not available at the time of variant classification. Additional details can be found in publication PMID: 35346344, PMCID: PMC8962531

Color Diagnostics, LLC DBA Color Health
Classification: Likely benign for Hereditary cancer-predisposing syndrome. Last evaluated: 2017-12-05. Review status: criteria provided, single submitter. Criteria: ACMG Guidelines, 2015. Collection method: clinical testing. Allele origin: germline.

Ambry Genetics
Classification: Likely benign for Hereditary cancer-predisposing syndrome. Last evaluated: 2016-06-30. Review status: criteria provided, single submitter. Criteria: Ambry Variant Classification Scheme 2023. Collection method: clinical testing. Allele origin: germline.